The following is an entry in ClinVar:

ClinVar aggregate classification (germline): Uncertain significance (1 of 4 stars; one submission).

Submission:

Quest Diagnostics Nichols Institute San Juan Capistrano
Classification: Uncertain significance. Last evaluated: 2022-12-03. Review status: criteria provided, single submitter. Criteria: Quest Diagnostics criteria. Collection method: clinical testing. Allele origin: unknown.
Comment: This variant has not been reported in the published literature. It also has not been reported in large, multi-ethnic general populations. Analysis of this variant using bioinformatics tools for the prediction of the effect of amino acid changes on protein structure and function yielded predictions that this variant is damaging. Based on the available information, we are unable to determine the clinical significance of this variant.

NM_000179.3(MSH6):c.3473G>A (p.Cys1158Tyr)

Gene: MSH6 (mutS homolog 6; plus strand). Cytogenetic location: 2p16.3.
Variant type: single nucleotide variant.
Coding change: c.3473G>A on transcript NM_000179.3 (MANE Select); coding-DNA position 3473, G replaced by A.
Protein change: p.Cys1158Tyr; replaces cysteine 1158 with tyrosine.
Molecular consequence: missense variant. On other transcripts: non-coding transcript variant (4).
Genome position (GRCh38, 1-based): chr2:47,804,944, G>A. VCF-style: chr2-47804944-G-A. GRCh37 (hg19) VCF-style: chr2-48032083-G-A.
Other names: c.3083G>A, p.Cys1028Tyr (NM_001281492.2); c.2567G>A, p.Cys856Tyr (NM_001281493.2, NM_001281494.2, NM_001406811.1 and 6 more transcripts); c.3569G>A, p.Cys1190Tyr (NM_001406795.1, NM_001406802.1); c.3473G>A, p.Cys1158Tyr (NM_001406796.1, NM_001406800.1, NM_001406808.1 and 1 more transcripts); c.3176G>A, p.Cys1059Tyr (NM_001406797.1, NM_001406801.1, NM_001406805.1 and 10 more transcripts); c.3299G>A, p.Cys1100Tyr (NM_001406798.1); c.2948G>A, p.Cys983Tyr (NM_001406799.1, NM_001406806.1, NM_001406807.1); c.2609G>A, p.Cys870Tyr (NM_001406803.1); and 7 more; short protein forms C1028Y, C1059Y, C107Y, C1100Y, C1102Y, C1132Y, C1158Y, C1160Y.
Identifiers: ClinVar variation 2682023 (VCV002682023.1), dbSNP rs879040298, ClinGen allele CA346760109.